The following is an entry in ClinVar:

ClinVar aggregate classification (germline): Likely benign. Review status: criteria provided, single submitter (1 of 4 stars). 2 submissions from 2 submitters: Likely benign (1). 1 of the submissions does not count toward it. Last evaluated 2024-05-01.

Conditions:
Hereditary spastic paraplegia 11. Also called: Nakamura Osame syndrome; Autosomal recessive hereditary spastic paraplegia, mental impairment, and thin corpus callosum; Spastic paraplegia, mental retardation and thin corpus callosum; Spastic Paraplegia 11; SPASTIC PARAPLEGIA, AUTOSOMAL RECESSIVE, COMPLICATED, WITH THIN CORPUS CALLOSUM; SPASTIC PARAPLEGIA, AUTOSOMAL RECESSIVE, WITH MENTAL IMPAIRMENT AND THIN CORPUS CALLOSUM. Identifiers: Orphanet 2822, MedGen C1858479, MONDO:0011445, OMIM 604360.
SPG11-related disorder. Also called: SPG11-related condition.

Allele frequency attached by ClinVar (database versions not stated): ExAC 0.00001; gnomAD exomes 0.00001 and 0.00005; TOPMed 0.00001.
gnomAD v4.1: 74 of 1,613,998 alleles (0.0046%); highest among the groups gnomAD compares: Non-Finnish European, 0.006%; no homozygotes.

Submissions (2):

Labcorp Genetics (formerly Invitae), Labcorp
Classification: Likely benign for Hereditary spastic paraplegia 11. Last evaluated: 2024-05-01. Review status: criteria provided, single submitter. Criteria: Invitae Variant Classification Sherloc (09022015). Collection method: clinical testing. Allele origin: germline.

PreventionGenetics, part of Exact Sciences
Classification: Likely benign for SPG11-related condition. Last evaluated: 2019-03-07. Review status: no assertion criteria provided. Collection method: clinical testing. Allele origin: germline. Not counted in ClinVar's aggregate classification.
Comment: This variant is classified as likely benign based on ACMG/AMP sequence variant interpretation guidelines (Richards et al. 2015 PMID: 25741868, with internal and published modifications).

NM_025137.4(SPG11):c.5286C>T (p.His1762=)

Gene: SPG11 (SPG11 vesicle trafficking associated, spatacsin; minus strand). Cytogenetic location: 15q21.1.
Variant type: single nucleotide variant.
Coding change: c.5286C>T on transcript NM_025137.4 (MANE Select); coding-DNA position 5286, C replaced by T.
Protein change: p.His1762=; no amino-acid change (histidine 1762 retained).
Molecular consequence: synonymous variant.
Genome position (GRCh38, 1-based): chr15:44,584,394, G>A on the plus strand (C>T on the coding strand, the complement: SPG11 is on the minus strand). VCF-style: chr15-44584394-G-A. GRCh37 (hg19) VCF-style: chr15-44876592-G-A.
Other names: c.5286C>T, p.His1762= (NM_001160227.2); c.5286C>T (NM_025137.3).
Identifiers: ClinVar variation 1126531 (VCV001126531.11), dbSNP rs769919296, ClinGen allele CA7534434.